The following is an entry in ClinVar:

ClinVar aggregate classification (germline): Uncertain significance (1 of 4 stars; one submission).

Conditions:
Inborn genetic diseases. Identifiers: MedGen C0950123, MeSH D030342.

Submission:

Ambry Genetics
Classification: Uncertain significance for Inborn genetic diseases. Last evaluated: 2024-12-12. Review status: criteria provided, single submitter. Criteria: Ambry Variant Classification Scheme 2023. Collection method: clinical testing. Allele origin: germline.
Comment: The p.M419L variant (also known as c.1255A>C), located in coding exon 7 of the FANCM gene, results from an A to C substitution at nucleotide position 1255. The methionine at codon 419 is replaced by leucine, an amino acid with highly similar properties. This amino acid position is conserved. In addition, this alteration is predicted to be tolerated by in silico analysis. Based on the available evidence, the clinical significance of this variant remains unclear.

NM_020937.4(FANCM):c.1255A>C (p.Met419Leu)

Gene: FANCM (FA complementation group M; plus strand). Cytogenetic location: 14q21.2.
Variant type: single nucleotide variant.
Coding change: c.1255A>C on transcript NM_020937.4 (MANE Select); coding-DNA position 1255, A replaced by C.
Protein change: p.Met419Leu; replaces methionine 419 with leucine.
Molecular consequence: missense variant.
Genome position (GRCh38, 1-based): chr14:45,154,768, A>C. VCF-style: chr14-45154768-A-C. GRCh37 (hg19) VCF-style: chr14-45623971-A-C.
Other names: c.1177A>C, p.Met393Leu (NM_001308133.2); c.1255A>C, p.Met419Leu (NM_001308134.2); short protein forms M393L, M419L.
Identifiers: ClinVar variation 3848478 (VCV003848478.1).